The following is an entry in ClinVar:

ClinVar aggregate classification (germline): Uncertain significance. Review status: criteria provided, multiple submitters, no conflicts (2 of 4 stars). 2 submissions from 2 submitters: Uncertain significance (2). Last evaluated 2025-12-08.

Conditions:
Pyruvate carboxylase deficiency. Also called: ATAXIA WITH LACTIC ACIDOSIS II; LEIGH NECROTIZING ENCEPHALOPATHY DUE TO PYRUVATE CARBOXYLASE DEFICIENCY; LEIGH SYNDROME DUE TO PYRUVATE CARBOXYLASE DEFICIENCY; PC DEFICIENCY; Pyruvate Carboxylase Deficiency Disease. Identifiers: Orphanet 3008, MedGen C0034341, MONDO:0009949, OMIM 266150.
Inborn genetic diseases. Identifiers: MedGen C0950123, MeSH D030342.

Allele frequency attached by ClinVar (database versions not stated): gnomAD 0.00001; gnomAD exomes 0.00001; TOPMed 0.00001; ExAC 0.00004.

Submissions (3):

Ambry Genetics
Classification: Uncertain significance for Inborn genetic diseases. Last evaluated: 2025-12-08. Review status: criteria provided, single submitter. Criteria: Ambry Variant Classification Scheme 2023. Collection method: clinical testing. Allele origin: germline.

Labcorp Genetics (formerly Invitae), Labcorp
Classification: Uncertain significance for Pyruvate carboxylase deficiency. Last evaluated: 2022-07-18. Review status: criteria provided, single submitter. Criteria: Invitae Variant Classification Sherloc (09022015). Collection method: clinical testing. Allele origin: germline.
Comment: This sequence change replaces alanine, which is neutral and non-polar, with threonine, which is neutral and polar, at codon 43 of the PC protein (p.Ala43Thr). The frequency data for this variant in the population databases is considered unreliable, as metrics indicate poor data quality at this position in the gnomAD database. This variant has not been reported in the literature in individuals affected with PC-related conditions. ClinVar contains an entry for this variant (Variation ID: 1436479). Algorithms developed to predict the effect of missense changes on protein structure and function are either unavailable or do not agree on the potential impact of this missense change (SIFT: "Deleterious"; PolyPhen-2: "Probably Damaging"; Align-GVGD: "Class C0"). In summary, the available evidence is currently insufficient to determine the role of this variant in disease. Therefore, it has been classified as a Variant of Uncertain Significance.

Dr. Peter K. Rogan Lab, Western University
No classification provided (evidence only). Condition: Cervical cancer. Review status: no classification provided. Collection method: in vitro. Allele origin: not applicable. Functional consequence: retained intron. Not counted in ClinVar's aggregate classification.

NM_001040716.2(PC):c.127G>A (p.Ala43Thr)

Gene: PC (pyruvate carboxylase; minus strand). Cytogenetic location: 11q13.2.
Variant type: single nucleotide variant.
Coding change: c.127G>A on transcript NM_001040716.2 (MANE Select); coding-DNA position 127, G replaced by A.
Protein change: p.Ala43Thr; replaces alanine 43 with threonine.
Molecular consequence: missense variant.
Genome position (GRCh38, 1-based): chr11:66,872,033, C>T on the plus strand (G>A on the coding strand, the complement: PC is on the minus strand). VCF-style: chr11-66872033-C-T. GRCh37 (hg19) VCF-style: chr11-66639504-C-T.
Other names: c.127G>A, p.Ala43Thr (NM_000920.4, NM_022172.3); c.127G>A (NM_000920.3); short protein forms A43T.
Identifiers: ClinVar variation 1436479 (VCV001436479.6), dbSNP rs756621649, ClinGen allele CA6132299.